The following is an entry in ClinVar:

NM_000051.4(ATM):c.6224A>G (p.His2075Arg)

Genes: ATM (ATM serine/threonine kinase; plus strand), C11orf65 (chromosome 11 open reading frame 65; minus strand). Cytogenetic location: 11q22.3.
Variant type: single nucleotide variant.
Coding change: c.6224A>G on transcript NM_000051.4 (MANE Select); coding-DNA position 6224, A replaced by G.
Protein change: p.His2075Arg; replaces histidine 2075 with arginine.
Molecular consequence: missense variant. On other transcripts: intron variant (2).
Genome position (GRCh38, 1-based): chr11:108,317,398, A>G. VCF-style: chr11-108317398-A-G. GRCh37 (hg19) VCF-style: chr11-108188125-A-G.
Other names: c.6224A>G, p.His2075Arg (NM_001351834.2); c.641-8327T>C (NM_001330368.2); c.*39-8327T>C (NM_001351110.2); short protein forms H2075R.
Identifiers: ClinVar variation 478927 (VCV000478927.21), dbSNP rs1555114602, ClinGen allele CA382551138.

ClinVar aggregate classification (germline): Conflicting classifications of pathogenicity. Review status: criteria provided, conflicting classifications (1 of 4 stars). 6 submissions from 6 submitters: Uncertain significance (4); Likely benign (1). 1 of the submissions does not count toward it. Last evaluated 2025-11-17.

Conditions:
Familial colorectal cancer type X. Identifiers: Orphanet 440437, MedGen C3896578, MONDO:0018604.
Hereditary cancer-predisposing syndrome. Also called: Neoplastic Syndromes, Hereditary; Hereditary Cancer Syndrome; Tumor predisposition; Hereditary neoplastic syndrome. Identifiers: Orphanet 140162, MedGen C0027672, MeSH D009386, MONDO:0015356.
Ataxia-telangiectasia syndrome (AT). Also called: LOUIS-BAR SYNDROME; Cerebello-oculocutaneous telangiectasia; Immunodeficiency with ataxia telangiectasia; Ataxia-telangiectasia, complementation group D; AT, COMPLEMENTATION GROUP C; Ataxia-telangiectasia, complementation group E. Identifiers: Orphanet 100, MedGen C0004135, MONDO:0008840, OMIM 208900.

Allele frequency attached by ClinVar (database versions not stated): TOPMed below 0.00001; gnomAD exomes below 0.00001.
gnomAD v4.1: 1 of 1,612,326 alleles (0.000062%); highest among the groups gnomAD compares: Non-Finnish European, 0.000085%; no homozygotes.

Submissions (6):

Ambry Genetics
Classification: Likely benign for Hereditary cancer-predisposing syndrome. Last evaluated: 2025-11-17. Review status: criteria provided, single submitter. Criteria: Ambry Variant Classification Scheme 2023. Collection method: clinical testing. Allele origin: germline.

Labcorp Genetics (formerly Invitae), Labcorp
Classification: Uncertain significance for Ataxia-telangiectasia syndrome. Last evaluated: 2025-11-10. Review status: criteria provided, single submitter. Criteria: Invitae Variant Classification Sherloc (09022015). Collection method: clinical testing. Allele origin: germline.
Comment: This sequence change replaces histidine, which is basic and polar, with arginine, which is basic and polar, at codon 2075 of the ATM protein (p.His2075Arg). This variant is not present in population databases (gnomAD no frequency). This variant has not been reported in the literature in individuals affected with ATM-related conditions. ClinVar contains an entry for this variant (Variation ID: 478927). Invitae Evidence Modeling of protein sequence and biophysical properties (such as structural, functional, and spatial information, amino acid conservation, physicochemical variation, residue mobility, and thermodynamic stability) indicates that this missense variant is not expected to disrupt ATM protein function with a negative predictive value of 95%. In summary, the available evidence is currently insufficient to determine the role of this variant in disease. Therefore, it has been classified as a Variant of Uncertain Significance.

Color Diagnostics, LLC DBA Color Health
Classification: Uncertain significance for Hereditary cancer-predisposing syndrome. Last evaluated: 2023-12-05. Review status: criteria provided, single submitter. Criteria: ACMG Guidelines, 2015. Collection method: clinical testing. Allele origin: germline.
Comment: This missense variant replaces histidine with arginine at codon 2075 of the ATM protein. Computational prediction suggests that this variant may not impact protein structure and function (internally defined REVEL score threshold <= 0.5, PMID: 27666373). To our knowledge, functional studies have not been reported for this variant. This variant has not been reported in individuals affected with ATM-related disorders in the literature. This variant has not been identified in the general population by the Genome Aggregation Database (gnomAD). The available evidence is insufficient to determine the role of this variant in disease conclusively. Therefore, this variant is classified as a Variant of Uncertain Significance.

Department of Pathology and Laboratory Medicine, Sinai Health System
Classification: Uncertain significance for Familial colorectal cancer type X. Last evaluated: 2023-09-19. Review status: criteria provided, single submitter. Criteria: ACMG Guidelines, 2015. Collection method: clinical testing. Allele origin: germline. Affected: yes.

GeneDx
Classification: Uncertain significance. Last evaluated: 2022-01-17. Review status: criteria provided, single submitter. Criteria: GeneDx Variant Classification Process June 2021. Collection method: clinical testing. Allele origin: germline. Affected: yes.
Comment: Not observed at significant frequency in large population cohorts (gnomAD); In silico analysis supports that this missense variant has a deleterious effect on protein structure/function; Has not been previously published as pathogenic or benign to our knowledge; This variant is associated with the following publications: (PMID: 23532176)

Natera, Inc.
Classification: Uncertain significance for Ataxia-telangiectasia. Last evaluated: 2020-09-16. Review status: no assertion criteria provided. Collection method: clinical testing. Allele origin: germline. Not counted in ClinVar's aggregate classification.

Literature cited by the submitters: PubMed 40580951 (cited by Ambry Genetics).